The following is an entry in ClinVar:

NM_015021.3(ZNF292):c.269C>G (p.Pro90Arg)

Gene: ZNF292 (zinc finger protein 292; plus strand). Cytogenetic location: 6q14.3.
Variant type: single nucleotide variant.
Coding change: c.269C>G on transcript NM_015021.3 (MANE Select); coding-DNA position 269, C replaced by G.
Protein change: p.Pro90Arg; replaces proline 90 with arginine.
Molecular consequence: missense variant. On other transcripts: 5 prime UTR variant (1).
Genome position (GRCh38, 1-based): chr6:87,216,003, C>G. VCF-style: chr6-87216003-C-G. GRCh37 (hg19) VCF-style: chr6-87925721-C-G.
Other names: c.-152C>G (NM_001351444.2); short protein forms P90R.
Identifiers: ClinVar variation 2209240 (VCV002209240.3), dbSNP rs1327633366, ClinGen allele CA364919154.

ClinVar aggregate classification (germline): Uncertain significance. Review status: criteria provided, multiple submitters, no conflicts (2 of 4 stars). 2 submissions from 2 submitters: Uncertain significance (2). Last evaluated 2025-02-06.

Conditions:
Inborn genetic diseases. Identifiers: MedGen C0950123, MeSH D030342.

gnomAD v4.1: 3 of 1,584,684 alleles (0.00019%); highest among the groups gnomAD compares: Admixed American, 0.0059%; no homozygotes.

Submissions (2):

Women's Health and Genetics/Laboratory Corporation of America, LabCorp
Classification: Uncertain significance. Last evaluated: 2025-02-06. Review status: criteria provided, single submitter. Criteria: LabCorp Variant Classification Summary - May 2015. Collection method: clinical testing. Allele origin: germline.
Comment: Variant summary: ZNF292 c.269C>G (p.Pro90Arg) results in a non-conservative amino acid change in the encoded protein sequence. Four of five in-silico tools predict a damaging effect of the variant on protein function. The variant was absent in 213020 control chromosomes (gnomAD). The available data on variant occurrences in the general population are insufficient to allow any conclusion about variant significance. To our knowledge, no occurrence of c.269C>G in individuals affected with autosomal dominant intellectual developmental disorder 64 and no experimental evidence demonstrating its impact on protein function have been reported. ClinVar contains an entry for this variant (Variation ID: 2209240). Based on the evidence outlined above, the variant was classified as uncertain significance.

Ambry Genetics
Classification: Uncertain significance for Inborn genetic diseases. Last evaluated: 2022-04-12. Review status: criteria provided, single submitter. Criteria: Ambry Variant Classification Scheme 2023. Collection method: clinical testing. Allele origin: germline.